The following is an entry in ClinVar:

ClinVar aggregate classification (germline): Uncertain significance (1 of 4 stars; one submission).

Conditions:
Inborn genetic diseases. Identifiers: MedGen C0950123, MeSH D030342.

gnomAD v4.1: 5 of 1,614,052 alleles (0.00031%); highest among the groups gnomAD compares: Admixed American, 0.0033%; no homozygotes.

Submission:

Ambry Genetics
Classification: Uncertain significance for Inborn genetic diseases. Last evaluated: 2026-08-13. Review status: criteria provided, single submitter. Criteria: Ambry Variant Classification Scheme 2023. Collection method: clinical testing. Allele origin: germline.
Comment: The c.1355C>T (p.A452V) alteration is located in exon 8 (coding exon 7) of the GATAD2B gene. This alteration results from a C to T substitution at nucleotide position 1355, causing the alanine (A) at amino acid position 452 to be replaced by a valine (V). Based on data from gnomAD, the T allele has an overall frequency of 0.001% (2/282878) total alleles studied. The highest observed frequency was 0.006% (2/35440) of Latino alleles. Based on insufficient or conflicting evidence, the clinical significance of this alteration remains unclear.

NM_020699.4(GATAD2B):c.1355C>T (p.Ala452Val)

Gene: GATAD2B (GATA zinc finger domain containing 2B; minus strand). Cytogenetic location: 1q21.3.
Variant type: single nucleotide variant.
Coding change: c.1355C>T on transcript NM_020699.4 (MANE Select); coding-DNA position 1355, C replaced by T.
Protein change: p.Ala452Val; replaces alanine 452 with valine.
Molecular consequence: missense variant.
Genome position (GRCh38, 1-based): chr1:153,813,314, G>A on the plus strand (C>T on the coding strand, the complement: GATAD2B is on the minus strand). VCF-style: chr1-153813314-G-A. GRCh37 (hg19) VCF-style: chr1-153785790-G-A.
Other names: short protein forms A452V.
Identifiers: ClinVar variation 5022246 (VCV005022246.1).